The following is an entry in ClinVar:

ClinVar aggregate classification (germline): Pathogenic/Likely pathogenic. Review status: criteria provided, multiple submitters, no conflicts (2 of 4 stars). 10 submissions from 10 submitters: Pathogenic (5); Likely pathogenic (2). 3 of the submissions do not count toward it. Last evaluated 2025-07-02.

Conditions:
Focal segmental glomerulosclerosis 9 (FSGS9). Identifiers: Orphanet 656, MedGen C4015555, MONDO:0014539, OMIM 616220.
Ventriculomegaly-cystic kidney disease. Also called: Ventriculomegaly with cystic kidney disease. Identifiers: Orphanet 443988, MedGen C1857423, MONDO:0009063, OMIM 219730.
Familial idiopathic steroid-resistant nephrotic syndrome. Also called: Genetic Steroid-Resistant Nephrotic Syndrome. Identifiers: Orphanet 656, MedGen C4273714, MONDO:0019006.
CRB2-related disorder. Also called: CRB2-related disorders; CRB2-related condition.

Allele frequency attached by ClinVar (database versions not stated): TOPMed 0.00010.
gnomAD v4.1: 193 of 1,613,014 alleles (0.012%); highest among the groups gnomAD compares: Non-Finnish European, 0.0026%; 1 homozygote.

Submissions (10):

Labcorp Genetics (formerly Invitae), Labcorp
Classification: Pathogenic. Last evaluated: 2025-07-02. Review status: criteria provided, single submitter. Criteria: Invitae Variant Classification Sherloc (09022015). Collection method: clinical testing. Allele origin: germline.
Comment: This sequence change replaces asparagine, which is neutral and polar, with lysine, which is basic and polar, at codon 800 of the CRB2 protein (p.Asn800Lys). This variant is present in population databases (rs765676223, gnomAD 0.5%). This missense change has been observed in individual(s) with autosomal recessive kidney disease with or without ventriculomegaly (PMID: 25557780, 26925547, 27004616, 30586318, 36803301). In at least one individual the data is consistent with being in trans (on the opposite chromosome) from a pathogenic variant. It has also been observed to segregate with disease in related individuals. ClinVar contains an entry for this variant (Variation ID: 546072). Invitae Evidence Modeling of protein sequence and biophysical properties (such as structural, functional, and spatial information, amino acid conservation, physicochemical variation, residue mobility, and thermodynamic stability) indicates that this missense variant is expected to disrupt CRB2 protein function with a positive predictive value of 80%. Experimental studies have shown that this missense change affects CRB2 function (PMID: 36549870). For these reasons, this variant has been classified as Pathogenic.

PreventionGenetics, part of Exact Sciences
Classification: Likely pathogenic for CRB2-related condition. Last evaluated: 2025-04-16. Review status: criteria provided, single submitter. Criteria: ACMG Guidelines, 2015. Collection method: clinical testing. Allele origin: germline.
Comment: The CRB2 c.2400C>G variant is predicted to result in the amino acid substitution p.Asn800Lys. In the compound heterozygous state with a missense or truncating CRB2 variant, the p.Asn800Lys variant has been reported in unrelated patients with cerebral ventriculomegaly and hydrocephalus and/or renal microcysts, or ciliopathy (Slavotinek et al. 2015. PubMed ID: 25557780; Lamont et al. 2016. PubMed ID: 27004616; Jaron et al. 2016. PubMed ID: 26925547). It was suggested to represent a founder pathogenic variant in Ashkenazi Jewish population. The minor allele frequency for the c.2400C>G (p.Asn800Lys) variant is only up to ~0.0026% in continental populations but is reported in 0.54% of alleles in individuals of Ashkenazi Jewish descent in gnomAD. This variant is interpreted as likely pathogenic.

New York Genome Center
Classification: Likely pathogenic for Focal segmental glomerulosclerosis 9; Ventriculomegaly-cystic kidney disease. Last evaluated: 2024-01-31. Review status: criteria provided, single submitter. Criteria: NYGC Assertion Criteria 2020. Collection method: clinical testing. Allele origin: inherited. Affected: yes. Observed: 1 variant allele, 1 homozygote.
Comment: The c.2400C>G variant has previously been reported in homozygous state in two individuals with glomerulopathy, for which additional clinical information was not provided including MRI, prenatal findings, or neonatal history [PMID:30586318]. This variant has also been identified in compound heterozygous state with a second CRB2 nonsense, frameshift, or missense variant in multiple fetuses and/or individuals with cerebral ventriculomegaly, renal microcysts, congenital hydrocephalus, and glomerulopathy phenotypes [PMID: 25557780, 26925547, 27004616, 28425981, 33077954, 36071576, 36803301]. The c.2400C>G variant has been deposited in ClinVar [ClinVar ID:546072] as a Pathogenic (3 submissions), Likely Pathogenic (1 submission), and Variant of Uncertain Significance (1 submission).The c.2400C>G variant is observed in 279 alleles (0.013% minor allele frequency with 1 homozygote) in population databases (gnomAD v4.0.0, All of US) with ~0.47% minor allele frequency in individuals of Ashkenazi Jewish ancestry (gnomADv4.0.0). The c.2400C>G variant is located in exon 8 of this 13-exon gene and is predicted to replace an evolutionarily conserved asparagine amino acid with lysine at position 800/1286 p.(Asn800Lys) in the laminin G domain of the CRB2 gene [PMID:36803301] (UniProtKB:Q51J48). In silico algorithms predict this variant to be disruptive to protein function [REVEL=0.804]. A HEK293T-based in vitro assay revealed mislocalization of this variant, as demonstrated by colocalization of CRB2-Asn800Lys variant to the endoplasmic reticulum compared to the localization ofthe CRB2-wild type on the plasma membrane [PMID: 36549870]. Based on available evidence this c.2400C>G p.(Asn800Lys) variant identified in the CRB2 gene is classified as Likely Pathogenic.

Department of Pathology and Laboratory Medicine, Sinai Health System
Classification: Pathogenic for Familial idiopathic steroid-resistant nephrotic syndrome. Last evaluated: 2022-12-23. Review status: criteria provided, single submitter. Criteria: ACMG Guidelines, 2015. Collection method: research. Allele origin: germline.

GeneDx
Classification: Pathogenic. Last evaluated: 2022-09-28. Review status: criteria provided, single submitter. Criteria: GeneDx Variant Classification Process June 2021. Collection method: clinical testing. Allele origin: germline. Affected: yes.
Comment: In silico analysis supports that this missense variant has a deleterious effect on protein structure/function; This variant is associated with the following publications: (PMID: 30212996, 30586318, 27004616, 28425981, 25557780, 27867342, 26925547, 33969091, 30996265, 33687977)

Blueprint Genetics
Classification: Pathogenic for CRB2-related disorders. Last evaluated: 2022-05-30. Review status: criteria provided, single submitter. Criteria: ACMG Guidelines, 2015. Collection method: clinical testing. Allele origin: germline. Affected: yes. Observed: 1 variant allele.

Molecular Genetics, Royal Melbourne Hospital
Classification: Pathogenic for Ventriculomegaly-cystic kidney disease. Last evaluated: 2022-04-05. Review status: criteria provided, single submitter. Criteria: ACMG Guidelines, 2015. Collection method: clinical testing. Allele origin: germline.
Comment: This sequence change is predicted to replace asparagine with lysine at codon 800 of the CRB2 protein, p.(Asn800Lys). The asparagine residue is highly conserved (100 vertebrates, UCSC), and is a glycosylation site N-linked (GlcNAc) asparagine in the laminin G-like 2 domain. There is a moderate physicochemical difference between asparagine and lysine. The variant is present in a large population cohort at a frequency of 0.02% (58/249,184 alleles, 0 homozygotes in gnomAD v2.1), with a frequency of 0.5% in the Ashkenazi Jewish sub-population. It has been identified with a second allele in at least five individuals with either or both ventriculomegaly (most common feature) and renal anomalies, and segregates with disease in multiple families (PMID: 25557780, 26925547, 27004616, 30996265). Multiple lines of computational evidence predict a deleterious effect for the missense substitution (5/6 algorithms). Based on the classification scheme RMH Modified ACMG Guidelines v1.4.0, this variant is classified as PATHOGENIC. Following criteria are met: PM3_Strong, PP1_Strong, PM2_Supporting, PP3.

Reproductive Health Research and Development, BGI Genomics
Classification: Likely pathogenic for Ventriculomegaly with cystic kidney disease. Last evaluated: 2020-01-06. Review status: no assertion criteria provided. Collection method: curation. Allele origin: germline. Not counted in ClinVar's aggregate classification.
Comment: NM_173689.5:c.2400C>G in the CRB2 gene has an allele frequency of 0.005 in Ashkenazi Jewish subpopulation in the gnomAD database. This variant has been detected in two siblings of a family affected with cerebral ventriculomegaly and renal microcysts, in trans with mutation c.2277G>A (p.Trp759Ter) and in another family in trans with mutation c.1928A>C (p.Glu643Ala) (PMID: 25557780). In-silico tools predict a damaging effect of the variant on protein function. Taken together, we interprete this variant as Pathogenic/Likely pathogenic. ACMG/AMP Criteria applied: PM3_Strong; PP1; PP3.

Gharavi Laboratory, Columbia University
Classification: Pathogenic. Last evaluated: 2018-09-16. Review status: no assertion criteria provided. Criteria: ACMG Guidelines, 2015. Collection method: research. Allele origin: germline. Affected: yes. Not counted in ClinVar's aggregate classification.

OMIM
Classification: Pathogenic for VENTRICULOMEGALY WITH CYSTIC KIDNEY DISEASE. Last evaluated: 2015-01-08. Review status: no assertion criteria provided. Collection method: literature only. Allele origin: germline. Not counted in ClinVar's aggregate classification.

Literature cited by the submitters: PubMed 25557780 (cited by 4 submitters); PubMed 26925547 (cited by 3 submitters); PubMed 27004616 (cited by 3 submitters); PubMed 30586318 (cited by Labcorp Genetics (formerly Invitae), Labcorp and New York Genome Center); PubMed 36803301 (cited by Labcorp Genetics (formerly Invitae), Labcorp and New York Genome Center); PubMed 36549870 (cited by Labcorp Genetics (formerly Invitae), Labcorp); PubMed 28425981 (cited by New York Genome Center); PubMed 33077954 (cited by New York Genome Center); PubMed 36071576 (cited by New York Genome Center); PubMed 30996265 (cited by Molecular Genetics, Royal Melbourne Hospital).

NM_173689.7(CRB2):c.2400C>G (p.Asn800Lys)

Gene: CRB2 (crumbs cell polarity complex component 2; plus strand). Cytogenetic location: 9q33.3.
Variant type: single nucleotide variant.
Coding change: c.2400C>G on transcript NM_173689.7 (MANE Select); coding-DNA position 2400, C replaced by G.
Protein change: p.Asn800Lys; replaces asparagine 800 with lysine.
Molecular consequence: missense variant. On other transcripts: non-coding transcript variant (1).
Genome position (GRCh38, 1-based): chr9:123,371,542, C>G. VCF-style: chr9-123371542-C-G. GRCh37 (hg19) VCF-style: chr9-126133821-C-G.
Other names: short protein forms N800K.
Identifiers: ClinVar variation 546072 (VCV000546072.21), dbSNP rs765676223, ClinGen allele CA5232191.